The following is an entry in ClinVar:

NM_015459.5(ATL3):c.1003G>A (p.Glu335Lys)

Genes: ATL3 (atlastin GTPase 3; minus strand), LNCROPM (lncRNA regulator of PLAAT3 mediated phospholipid metabolism; plus strand). Cytogenetic location: 11q13.1.
Variant type: single nucleotide variant.
Coding change: c.1003G>A on transcript NM_015459.5 (MANE Select); coding-DNA position 1003, G replaced by A.
Protein change: p.Glu335Lys; replaces glutamic acid 335 with lysine.
Molecular consequence: missense variant.
Genome position (GRCh38, 1-based): chr11:63,635,566, C>T on the plus strand (G>A on the coding strand, the complement: ATL3 is on the minus strand). VCF-style: chr11-63635566-C-T. GRCh37 (hg19) VCF-style: chr11-63403038-C-T.
Other names: c.949G>A, p.Glu317Lys (NM_001290048.2); c.1003G>A (NM_015459.3); short protein forms E317K, E335K.
Identifiers: ClinVar variation 860613 (VCV000860613.10), dbSNP rs373751961, ClinGen allele CA223741623.

ClinVar aggregate classification (germline): Uncertain significance. Review status: criteria provided, multiple submitters, no conflicts (2 of 4 stars). 4 submissions from 4 submitters: Uncertain significance (4). Last evaluated 2026-08-19.

Conditions:
Inborn genetic diseases. Identifiers: MedGen C0950123, MeSH D030342.
Neuropathy, hereditary sensory, type 1F. Also called: HSN IF; Hereditary sensory neuropathy type IF. Identifiers: Orphanet 36386, MedGen C3810194, MONDO:0014286, OMIM 615632.
ATL3-related disorder. Also called: ATL3-related condition.

Allele frequency attached by ClinVar (database versions not stated): gnomAD 0.00001 and 0.00002; gnomAD exomes 0.00002; TOPMed 0.00003; ESP Exome Variant Server 0.00008.
gnomAD v4.1: 28 of 1,611,620 alleles (0.0017%); highest among the groups gnomAD compares: Non-Finnish European, 0.0023%; no homozygotes.

Submissions (4):

PreventionGenetics, part of Exact Sciences
Classification: Uncertain significance for ATL3-related condition. Last evaluated: 2026-08-19. Review status: criteria provided, single submitter. Criteria: ACMG Guidelines, 2015. Collection method: clinical testing. Allele origin: germline.
Comment: The ATL3 c.1003G>A variant is predicted to result in the amino acid substitution p.Glu335Lys. To our knowledge, this variant has not been reported in the literature or in a large population database (gnomAD), indicating this variant is rare. At this time, the clinical significance of this variant is uncertain due to the absence of conclusive functional and genetic evidence.

GeneDx
Classification: Uncertain significance. Last evaluated: 2024-12-07. Review status: criteria provided, single submitter. Criteria: GeneDx Variant Classification Process June 2021. Collection method: clinical testing. Allele origin: germline. Affected: yes.
Comment: In silico analysis supports that this missense variant has a deleterious effect on protein structure/function; In silico analysis is inconclusive as to whether the variant alters gene splicing. In the absence of RNA/functional studies, the actual effect of this sequence change is unknown.; Has not been previously published as pathogenic or benign to our knowledge

Ambry Genetics
Classification: Uncertain significance for Inborn genetic diseases. Last evaluated: 2024-08-01. Review status: criteria provided, single submitter. Criteria: Ambry Variant Classification Scheme 2023. Collection method: clinical testing. Allele origin: germline.

Labcorp Genetics (formerly Invitae), Labcorp
Classification: Uncertain significance for Neuropathy, hereditary sensory, type 1F. Last evaluated: 2021-12-03. Review status: criteria provided, single submitter. Criteria: Invitae Variant Classification Sherloc (09022015). Collection method: clinical testing. Allele origin: germline.
Comment: This sequence change replaces glutamic acid, which is acidic and polar, with lysine, which is basic and polar, at codon 335 of the ATL3 protein (p.Glu335Lys). This variant is not present in population databases (gnomAD no frequency). This variant has not been reported in the literature in individuals affected with ATL3-related conditions. ClinVar contains an entry for this variant (Variation ID: 860613). Algorithms developed to predict the effect of missense changes on protein structure and function are either unavailable or do not agree on the potential impact of this missense change (SIFT: "Tolerated"; PolyPhen-2: "Probably Damaging"; Align-GVGD: "Class C0"). In summary, the available evidence is currently insufficient to determine the role of this variant in disease. Therefore, it has been classified as a Variant of Uncertain Significance.